The following is an entry in ClinVar:

ClinVar aggregate classification (germline): Uncertain significance. Review status: criteria provided, multiple submitters, no conflicts (2 of 4 stars). 2 submissions from 2 submitters: Uncertain significance (2). Last evaluated 2024-03-22.

Conditions:
Hereditary cancer-predisposing syndrome. Also called: Tumor predisposition; Hereditary Cancer Syndrome; Hereditary neoplastic syndrome; Neoplastic Syndromes, Hereditary. Identifiers: Orphanet 140162, MedGen C0027672, MeSH D009386, MONDO:0015356.

Allele frequency attached by ClinVar (database versions not stated): gnomAD exomes below 0.00001.

Submissions (2):

Ambry Genetics
Classification: Uncertain significance for Hereditary cancer-predisposing syndrome. Last evaluated: 2024-03-22. Review status: criteria provided, single submitter. Criteria: Ambry Variant Classification Scheme 2023. Collection method: clinical testing. Allele origin: germline.
Comment: The c.3393delA variant, located in coding exon 24 of the MSH3 gene, results from a deletion of one nucleotide at nucleotide position 3393, causing a translational frameshift with a predicted alternate stop codon (p.Q1132Rfs*27). This alteration occurs at the 3' terminus of theMSH3 gene, is not expected to trigger nonsense-mediated mRNAdecay and results in the elongation of the protein by 20 amino acids. This frameshift impacts the last 7amino acids of the native protein. The exact functional effect of the altered amino acids is unknown. Based on the available evidence, the clinical significance of this alteration remains unclear.

Labcorp Genetics (formerly Invitae), Labcorp
Classification: Uncertain significance. Last evaluated: 2022-01-26. Review status: criteria provided, single submitter. Criteria: Invitae Variant Classification Sherloc (09022015). Collection method: clinical testing. Allele origin: germline.
Comment: In summary, the available evidence is currently insufficient to determine the role of this variant in disease. Therefore, it has been classified as a Variant of Uncertain Significance. Experimental studies and prediction algorithms are not available or were not evaluated, and the functional significance of this variant is currently unknown. This variant has not been reported in the literature in individuals affected with MSH3-related conditions. This variant is not present in population databases (gnomAD no frequency). This sequence change results in a frameshift in the MSH3 gene (p.Gln1132Argfs*27). While this is not anticipated to result in nonsense mediated decay, it is expected to disrupt the last 6 amino acid(s) of the MSH3 protein and extend the protein by 20 additional amino acid residues.

NM_002439.5(MSH3):c.3393del (p.Gln1132fs)

Gene: MSH3 (mutS homolog 3; plus strand). Cytogenetic location: 5q14.1.
Variant type: Deletion.
Coding change: c.3393del on transcript NM_002439.5 (MANE Select); coding-DNA position 3393, one base deleted (A; older notation c.3393delA).
Protein change: p.Gln1132fs; shifts the reading frame from glutamine 1132.
Molecular consequence: frameshift variant.
Genome position (GRCh38, 1-based): chr5:80,875,841, A deleted. VCF-style (leftmost placement, unchanged base first): chr5-80875840-CA-C. GRCh37 (hg19) VCF-style: chr5-80171659-CA-C.
Other names: c.3393delA (NM_002439.3); short protein forms Q1132fs.
Identifiers: ClinVar variation 2090002 (VCV002090002.5), dbSNP rs2478809294, ClinGen allele CA2580073625.